The following is an entry in ClinVar:

NM_033305.3(VPS13A):c.24G>A (p.Val8=)

Genes: VPS13A (vacuolar protein sorting 13 homolog A; plus strand), VPS13A-AS1 (VPS13A antisense RNA 1; minus strand). Cytogenetic location: 9q21.2.
Variant type: single nucleotide variant.
Coding change: c.24G>A on transcript NM_033305.3 (MANE Select); coding-DNA position 24, G replaced by A.
Protein change: p.Val8=; no amino-acid change (valine 8 retained).
Molecular consequence: synonymous variant. On other transcripts: non-coding transcript variant (1).
Genome position (GRCh38, 1-based): chr9:77,177,728, G>A. VCF-style: chr9-77177728-G-A. GRCh37 (hg19) VCF-style: chr9-79792644-G-A.
Other names: c.24G>A, p.Val8= (NM_001018037.2, NM_001018038.3, NM_015186.4).
Identifiers: ClinVar variation 1176570 (VCV001176570.36), dbSNP rs143617269, ClinGen allele CA5091189.
Genomic context (GRCh38, chr9:77,177,728, plus strand): 5'-CACGGGCCGGCTGCCGTGCCCACCACGGCTGAGGAACATGGTTTTCGAGTCGGTGGTCGT[G>A]GACGTGTTGAACCGGTTCTTGGGGGACTATGTGGTGGACTTGGACACGTCCCAGCTCTCT-3'
Protein context (NP_150648.2, residues 1-18): MVFESVV[Val8=]DVLNRFLGDY

ClinVar aggregate classification (germline): Likely benign. Review status: criteria provided, multiple submitters, no conflicts (2 of 4 stars). 2 submissions from 2 submitters: Likely benign (2). Last evaluated 2024-10-21.

Allele frequency attached by ClinVar (database versions not stated): gnomAD 0.00001; gnomAD exomes 0.00001 and 0.00002; ExAC 0.00002; TOPMed 0.00002; ESP Exome Variant Server 0.00008.
gnomAD v4.1: 19 of 1,613,394 alleles (0.0012%); highest among the groups gnomAD compares: Non-Finnish European, 0.0016%; no homozygotes.

Submissions (2):

Blueprint Genetics
Classification: Likely benign. Last evaluated: 2024-10-21. Review status: criteria provided, single submitter. Criteria: ACMG Guidelines, 2015. Collection method: clinical testing. Allele origin: germline.

CeGaT Center for Human Genetics Tuebingen
Classification: Likely benign. Last evaluated: 2024-01-01. Review status: criteria provided, single submitter. Criteria: CeGaT Center For Human Genetics Tuebingen Variant Classification Criteria Version 2. Collection method: clinical testing. Allele origin: germline. Affected: yes. Observed: 2 variant alleles.
Comment: VPS13A: BP4, BP7